The following is an entry in ClinVar:

ClinVar aggregate classification (germline): Uncertain significance (1 of 4 stars; one submission).

Conditions:
Osteogenesis imperfecta type I (OI1). Also called: Lobstein disease; OI, TYPE I; OSTEOGENESIS IMPERFECTA TARDA; OSTEOGENESIS IMPERFECTA WITH BLUE SCLERAE; Osteogenesis imperfecta type 1; Lobstein's Disease. Identifiers: Orphanet 216796, Orphanet 666, MedGen C0023931, MONDO:0008146, OMIM 166200. Disease mechanism: loss of function.
Ehlers-Danlos syndrome, classic type, 1 (EDSCL1). Also called: EDS I; EHLERS-DANLOS SYNDROME, GRAVIS TYPE; EHLERS-DANLOS SYNDROME, SEVERE CLASSIC TYPE; Ehlers-Danlos syndrome, type 1; Ehlers-Danlos Syndrome, Classic Type, COL5A1-Related. Identifiers: MedGen C0268335, MONDO:0019567, OMIM 130000.

Allele frequency attached by ClinVar (database versions not stated): TOPMed below 0.00001.

Submission:

Labcorp Genetics (formerly Invitae), Labcorp
Classification: Uncertain significance for Osteogenesis imperfecta type I; Ehlers-Danlos syndrome, classic type, 1. Last evaluated: 2023-03-20. Review status: criteria provided, single submitter. Criteria: Invitae Variant Classification Sherloc (09022015). Collection method: clinical testing. Allele origin: germline.
Comment: Variants that disrupt the consensus splice site are a relatively common cause of aberrant splicing (PMID: 17576681, 9536098). Algorithms developed to predict the effect of sequence changes on RNA splicing suggest that this variant is not likely to affect RNA splicing. This variant has not been reported in the literature in individuals affected with COL1A2-related conditions. This variant is not present in population databases (gnomAD no frequency). This sequence change falls in intron 50 of the COL1A2 gene. It does not directly change the encoded amino acid sequence of the COL1A2 protein. It affects a nucleotide within the consensus splice site. In summary, the available evidence is currently insufficient to determine the role of this variant in disease. Therefore, it has been classified as a Variant of Uncertain Significance.

Literature cited by the submitters: PubMed 17576681; PubMed 9536098.

NM_000089.4(COL1A2):c.3711+3G>A

Gene: COL1A2 (collagen type I alpha 2 chain; plus strand). Cytogenetic location: 7q21.3.
Variant type: single nucleotide variant.
Coding change: c.3711+3G>A on transcript NM_000089.4 (MANE Select); 3 bases into the intron after coding-DNA position 3711, G replaced by A.
Molecular consequence: intron variant.
Genome position (GRCh38, 1-based): chr7:94,428,480, G>A. VCF-style: chr7-94428480-G-A. GRCh37 (hg19) VCF-style: chr7-94057792-G-A.
Identifiers: ClinVar variation 2945543 (VCV002945543.3), dbSNP rs1792333942, ClinGen allele CA1726749685.